The following is an entry in ClinVar:

ClinVar aggregate classification (germline): Pathogenic/Likely pathogenic. Review status: criteria provided, multiple submitters, no conflicts (2 of 4 stars). 4 submissions from 4 submitters: Pathogenic (1); Likely pathogenic (3). Last evaluated 2025-10-09.

Conditions:
Lynch syndrome 5 (LYNCH5). Also called: Hereditary non-polyposis colorectal cancer, type 5; Colorectal cancer, hereditary nonpolyposis, type 5. Identifiers: Orphanet 144, MedGen C1833477, MONDO:0013710, OMIM 614350. Disease mechanism: loss of function.
Hereditary cancer-predisposing syndrome. Also called: Tumor predisposition; Hereditary Cancer Syndrome; Hereditary neoplastic syndrome; Neoplastic Syndromes, Hereditary. Identifiers: Orphanet 140162, MedGen C0027672, MeSH D009386, MONDO:0015356.
Inherited MMR deficiency (Lynch syndrome).

Submissions (4):

Genetics Laboratory, Great Ormond Street Hospital NHS Foundation Trust, North Thames Genomic Laboratory Hub
Classification: Pathogenic for Inherited MMR deficiency (Lynch syndrome). Last evaluated: 2025-10-09. Review status: criteria provided, single submitter. Criteria: CanVIG MMR Gene Specific V1.7. Collection method: clinical testing. Allele origin: germline. Affected: yes.
Comment: PM2_moderate, PVS1_very-strong, PP4_supporting

Color Diagnostics, LLC DBA Color Health
Classification: Likely pathogenic for Hereditary cancer-predisposing syndrome. Last evaluated: 2025-04-07. Review status: criteria provided, single submitter. Criteria: ACMG Guidelines, 2015. Collection method: clinical testing. Allele origin: germline.
Comment: This variant causes an A to C nucleotide substitution at the -2 position of intron 1 of the MSH6 gene. Splice site prediction tools suggest that this variant may have a significant impact on RNA splicing. Although this prediction has not been confirmed in published RNA studies, this variant is expected to result in an absent or disrupted protein product. This variant has not been reported in individuals affected with MSH6-related disorders in the literature. This variant has not been identified in the general population by the Genome Aggregation Database (gnomAD). Based on the available evidence, this variant is classified as Likely Pathogenic.

Myriad Genetics, Inc.
Classification: Likely pathogenic for Lynch syndrome 5. Last evaluated: 2024-08-13. Review status: criteria provided, single submitter. Criteria: Myriad Autosomal Dominant, Autosomal Recessive and X-Linked Classification Criteria (2023). Collection method: clinical testing. Allele origin: unknown.
Comment: This variant is considered likely pathogenic. This variant occurs within a consensus splice junction and is predicted to result in abnormal mRNA splicing of either an out-of-frame exon or an in-frame exon necessary for protein stability and/or normal function.

Ambry Genetics
Classification: Likely pathogenic for Hereditary cancer-predisposing syndrome. Last evaluated: 2024-03-25. Review status: criteria provided, single submitter. Criteria: Ambry Variant Classification Scheme 2023. Collection method: clinical testing. Allele origin: germline.
Comment: The c.261-2A>C intronic variant results from an A to C substitution two nucleotides upstream from coding exon 2 in the MSH6 gene. This nucleotide position is highly conserved in available vertebrate species. In silico splice site analysis predicts that this alteration will weaken the native splice acceptor site and will result in the creation or strengthening of a novel splice acceptor site. This variant is considered to be rare based on population cohorts in the Genome Aggregation Database (gnomAD). Based on the majority of available evidence to date, this variant is likely to be pathogenic.

NM_000179.3(MSH6):c.261-2A>C

Gene: MSH6 (mutS homolog 6; plus strand). Cytogenetic location: 2p16.3.
Variant type: single nucleotide variant.
Coding change: c.261-2A>C on transcript NM_000179.3 (MANE Select); the canonical splice acceptor site of the intron before coding-DNA position 261, A replaced by C.
Molecular consequence: splice acceptor variant. On other transcripts: 5 prime UTR variant (1), intron variant (5).
Genome position (GRCh38, 1-based): chr2:47,790,925, A>C. VCF-style: chr2-47790925-A-C. GRCh37 (hg19) VCF-style: chr2-48018064-A-C.
Other names: c.-39A>C (NM_001406830.1); c.261-2A>C (NM_001406809.1, NM_001406796.1, NM_001406813.1 and 6 more transcripts); c.-476-2A>C (NM_001406811.1, NM_001281493.2, NM_001406829.1 and 1 more transcripts); c.-37-2A>C (NM_001406805.1, NM_001406797.1, NM_001406801.1 and 9 more transcripts); c.357-2A>C (NM_001406795.1, NM_001406802.1); c.-668-2A>C (NM_001406807.1); c.-734-2A>C (NM_001406814.1); c.-323-2A>C (NM_001406812.1); and 7 more.
Identifiers: ClinVar variation 3296358 (VCV003296358.4).